The following is an entry in ClinVar:

ClinVar aggregate classification (germline): Uncertain significance (1 of 4 stars; one submission).

Submission:

GeneDx
Classification: Uncertain significance. Last evaluated: 2024-04-25. Review status: criteria provided, single submitter. Criteria: GeneDx Variant Classification Process June 2021. Collection method: clinical testing. Allele origin: germline. Affected: yes.
Comment: Not observed at significant frequency in large population cohorts (gnomAD); In silico analysis supports that this missense variant has a deleterious effect on protein structure/function; Has not been previously published as pathogenic or benign to our knowledge

NM_003128.3(SPTBN1):c.4160A>G (p.Gln1387Arg)

Gene: SPTBN1 (spectrin beta, non-erythrocytic 1; plus strand). Cytogenetic location: 2p16.2.
Variant type: single nucleotide variant.
Coding change: c.4160A>G on transcript NM_003128.3 (MANE Select); coding-DNA position 4160, A replaced by G.
Protein change: p.Gln1387Arg; replaces glutamine 1387 with arginine.
Molecular consequence: missense variant.
Genome position (GRCh38, 1-based): chr2:54,644,477, A>G. VCF-style: chr2-54644477-A-G. GRCh37 (hg19) VCF-style: chr2-54871614-A-G.
Other names: c.4121A>G, p.Gln1374Arg (NM_178313.3); short protein forms Q1374R, Q1387R.
Identifiers: ClinVar variation 3369894 (VCV003369894.1).